The following is an entry in ClinVar:

ClinVar aggregate classification (germline): Benign. Review status: criteria provided, multiple submitters, no conflicts (2 of 4 stars). 4 submissions from 4 submitters: Benign (4). Last evaluated 2024-11-28.

Conditions:
Renal cysts and diabetes syndrome (RCAD). Also called: Familial hypoplastic, glomerulocystic kidney; MATURITY-ONSET DIABETES OF THE YOUNG, TYPE 5. Identifiers: Orphanet 93111, MedGen C0431693, MONDO:0007669, OMIM 137920.

Allele frequency attached by ClinVar (database versions not stated): ExAC 0.19993; gnomAD 0.26318 and 0.27047; 1000 Genomes Project 0.26837; TOPMed 0.27556; 1000 Genomes Project 30x 0.27623.
gnomAD v4.1: 299,223 of 1,603,650 alleles (19%); highest among the groups gnomAD compares: African/African-American, 50%; 32,572 homozygotes.

Submissions (4):

Blueprint Genetics
Classification: Benign. Last evaluated: 2024-11-28. Review status: criteria provided, single submitter. Criteria: ACMG Guidelines, 2015. Collection method: clinical testing. Allele origin: germline.

GeneDx
Classification: Benign. Last evaluated: 2018-06-14. Review status: criteria provided, single submitter. Criteria: GeneDx Variant Classification Process June 2021. Collection method: clinical testing. Allele origin: germline. Affected: yes.
Comment: This variant is associated with the following publications: (PMID: 26329304)

Illumina Laboratory Services, Illumina
Classification: Benign for Renal cysts and diabetes syndrome. Last evaluated: 2018-01-12. Review status: criteria provided, single submitter. Criteria: ICSL Variant Classification Criteria 13 December 2019. Collection method: clinical testing. Allele origin: germline.
Comment: This variant was observed in the ICSL laboratory as part of a predisposition screen in an ostensibly healthy population. It had not been previously curated by ICSL or reported in the Human Gene Mutation Database (HGMD: prior to June 1st, 2018), and was therefore a candidate for classification through an automated scoring system. Utilizing variant allele frequency, disease prevalence and penetrance estimates, and inheritance mode, an automated score was calculated to assess if this variant is too frequent to cause the disease. Based on the score and internal cut-off values, a variant classified as benign is not then subjected to further curation. The score for this variant resulted in a classification of benign for this disease.

Breakthrough Genomics
Classification: Benign. Review status: criteria provided, single submitter. Criteria: ACMG Guidelines, 2015. Collection method: not provided. Allele origin: germline. Inheritance: Autosomal dominant inheritance. Affected: yes.

NM_000458.4(HNF1B):c.*99C>A

Gene: HNF1B (HNF1 homeobox B; minus strand). Cytogenetic location: 17q12.
Variant type: single nucleotide variant.
Coding change: c.*99C>A on transcript NM_000458.4 (MANE Select); 99 bases downstream of the stop codon, C replaced by A.
Molecular consequence: 3 prime UTR variant.
Genome position (GRCh38, 1-based): chr17:37,687,273, G>T on the plus strand (C>A on the coding strand, the complement: HNF1B is on the minus strand). VCF-style: chr17-37687273-G-T. GRCh37 (hg19) VCF-style: chr17-36047276-G-T.
Other names: c.*99C>A (NM_001165923.4); c.*7C>A (NM_001304286.2).
Identifiers: ClinVar variation 322941 (VCV000322941.8), dbSNP rs2229295, ClinGen allele CA8518739.